The following is an entry in ClinVar:

NM_000254.3(MTR):c.*3140G>A

Gene: MTR (5-methyltetrahydrofolate-homocysteine methyltransferase; plus strand). Cytogenetic location: 1q43.
Variant type: single nucleotide variant.
Coding change: c.*3140G>A on transcript NM_000254.3 (MANE Select); 3140 bases downstream of the stop codon, G replaced by A.
Molecular consequence: 3 prime UTR variant.
Genome position (GRCh38, 1-based): chr1:236,900,784, G>A. VCF-style: chr1-236900784-G-A. GRCh37 (hg19) VCF-style: chr1-237064084-G-A.
Other names: c.*3140G>A (NM_001291939.1, NM_001291940.2).
Identifiers: ClinVar variation 296642 (VCV000296642.6), dbSNP rs3768161, ClinGen allele CA10609526.

ClinVar aggregate classification (germline): Benign. Review status: criteria provided, multiple submitters, no conflicts (2 of 4 stars). 2 submissions from 2 submitters: Benign (2). Last evaluated 2018-01-13.

Conditions:
Disorders of Intracellular Cobalamin Metabolism. Identifiers: MedGen CN043592.

Allele frequency attached by ClinVar (database versions not stated): gnomAD exomes 0.01205; gnomAD 0.05915 and 0.05918; TOPMed 0.06349; 1000 Genomes Project 30x 0.07948; 1000 Genomes Project 0.08007.
gnomAD v4.1: 8,945 of 152,558 alleles (5.9%); highest among the groups gnomAD compares: African/African-American, 14%; 503 homozygotes.

Submissions (2):

Illumina Laboratory Services, Illumina
Classification: Benign for Disorders of Intracellular Cobalamin Metabolism. Last evaluated: 2018-01-13. Review status: criteria provided, single submitter. Criteria: ICSL Variant Classification Criteria 13 December 2019. Collection method: clinical testing. Allele origin: germline.
Comment: This variant was observed in the ICSL laboratory as part of a predisposition screen in an ostensibly healthy population. It had not been previously curated by ICSL or reported in the Human Gene Mutation Database (HGMD: prior to June 1st, 2018), and was therefore a candidate for classification through an automated scoring system. Utilizing variant allele frequency, disease prevalence and penetrance estimates, and inheritance mode, an automated score was calculated to assess if this variant is too frequent to cause the disease. Based on the score and internal cut-off values, a variant classified as benign is not then subjected to further curation. The score for this variant resulted in a classification of benign for this disease.

Breakthrough Genomics
Classification: Benign. Review status: criteria provided, single submitter. Criteria: ACMG Guidelines, 2015. Collection method: not provided. Allele origin: germline. Inheritance: Autosomal recessive inheritance. Affected: yes.